The following is an entry in ClinVar:

NM_001170535.3(ATAD3A):c.1157G>A (p.Arg386Gln)

Gene: ATAD3A (ATPase family AAA domain containing 3A; plus strand). Cytogenetic location: 1p36.33.
Variant type: single nucleotide variant.
Coding change: c.1157G>A on transcript NM_001170535.3 (MANE Select); coding-DNA position 1157, G replaced by A.
Protein change: p.Arg386Gln; replaces arginine 386 with glutamine.
Molecular consequence: missense variant.
Genome position (GRCh38, 1-based): chr1:1,524,340, G>A. VCF-style: chr1-1524340-G-A. GRCh37 (hg19) VCF-style: chr1-1459720-G-A.
Other names: c.920G>A, p.Arg307Gln (NM_001170536.3); c.1301G>A, p.Arg434Gln (NM_018188.5); short protein forms R307Q, R386Q, R434Q.
Identifiers: ClinVar variation 2355635 (VCV002355635.2), dbSNP rs773044103, ClinGen allele CA526223.

ClinVar aggregate classification (germline): Uncertain significance (1 of 4 stars; one submission).

Conditions:
Inborn genetic diseases. Identifiers: MedGen C0950123, MeSH D030342.

Allele frequency attached by ClinVar (database versions not stated): gnomAD 0.00006; ExAC 0.00008.

Submission:

Ambry Genetics
Classification: Uncertain significance for Inborn genetic diseases. Last evaluated: 2021-01-11. Review status: criteria provided, single submitter. Criteria: Ambry Variant Classification Scheme 2023. Collection method: clinical testing. Allele origin: germline.
Comment: The c.1301G>A (p.R434Q) alteration is located in exon 11 (coding exon 11) of the ATAD3A gene. This alteration results from a G to A substitution at nucleotide position 1301, causing the arginine (R) at amino acid position 434 to be replaced by a glutamine (Q). The p.R434Q alteration is predicted to be deleterious by in silico analysis. Based on insufficient or conflicting evidence, the clinical significance of this alteration remains unclear.